The following is an entry in ClinVar:

ClinVar aggregate classification (germline): Conflicting classifications of pathogenicity. Review status: criteria provided, conflicting classifications (1 of 4 stars). 5 submissions from 5 submitters: Uncertain significance (1); Benign (1); Likely benign (2). 1 of the submissions does not count toward it. Last evaluated 2026-01-18.

Conditions:
3-methylcrotonyl-CoA carboxylase 2 deficiency. Also called: 3 alpha methylcrotonyl-CoA carboxylase 2 deficiency; 3 alpha methylcrotonylglycinuria 2; MCC 2 deficiency; Methylcrotonylglycinuria type 2; METHYLCROTONYLGLYCINURIA, TYPE II. Identifiers: Orphanet 6, MedGen C1859499, MONDO:0008862, OMIM 210210.

Allele frequency attached by ClinVar (database versions not stated): gnomAD 0.00001 and 0.00010; TOPMed 0.00002; 1000 Genomes Project 30x 0.00047; gnomAD exomes 0.00049; ExAC 0.00063.
gnomAD v4.1: 354 of 1,614,074 alleles (0.022%); highest among the groups gnomAD compares: South Asian, 0.36%; 2 homozygotes.

Submissions (5):

Labcorp Genetics (formerly Invitae), Labcorp
Classification: Benign for 3-methylcrotonyl-CoA carboxylase 2 deficiency. Last evaluated: 2026-01-18. Review status: criteria provided, single submitter. Criteria: Invitae Variant Classification Sherloc (09022015). Collection method: clinical testing. Allele origin: germline.

Blueprint Genetics
Classification: Likely benign. Last evaluated: 2024-10-23. Review status: criteria provided, single submitter. Criteria: ACMG Guidelines, 2015. Collection method: clinical testing. Allele origin: germline.

Illumina Laboratory Services, Illumina
Classification: Uncertain significance for 3-methylcrotonyl-CoA carboxylase 2 deficiency. Last evaluated: 2018-01-13. Review status: criteria provided, single submitter. Criteria: ICSL Variant Classification Criteria 13 December 2019. Collection method: clinical testing. Allele origin: germline.

GeneDx
Classification: Likely benign. Last evaluated: 2016-10-03. Review status: criteria provided, single submitter. Criteria: GeneDx Variant Classification (06012015). Collection method: clinical testing. Allele origin: germline. Affected: yes.
Comment: This variant is considered likely benign or benign based on one or more of the following criteria: it is a conservative change, it occurs at a poorly conserved position in the protein, it is predicted to be benign by multiple in silico algorithms, and/or has population frequency not consistent with disease.

Natera, Inc.
Classification: Likely benign for 3-methylcrotonyl-CoA carboxylase 2 deficiency. Last evaluated: 2019-12-17. Review status: no assertion criteria provided. Collection method: clinical testing. Allele origin: germline. Not counted in ClinVar's aggregate classification.

NM_022132.5(MCCC2):c.330C>T (p.Asp110=)

Gene: MCCC2 (methylcrotonyl-CoA carboxylase subunit 2; plus strand). Cytogenetic location: 5q13.2.
Variant type: single nucleotide variant.
Coding change: c.330C>T on transcript NM_022132.5 (MANE Select); coding-DNA position 330, C replaced by T.
Protein change: p.Asp110=; no amino-acid change (aspartic acid 110 retained).
Molecular consequence: synonymous variant.
Genome position (GRCh38, 1-based): chr5:71,599,707, C>T. VCF-style: chr5-71599707-C-T. GRCh37 (hg19) VCF-style: chr5-70895534-C-T.
Other names: c.330C>T, p.Asp110= (NM_001363147.1).
Identifiers: ClinVar variation 389179 (VCV000389179.21), dbSNP rs201872484, ClinGen allele CA3297742.